The following is an entry in ClinVar:

NM_080732.4(EGLN2):c.777T>A (p.His259Gln)

Genes: EGLN2 (egl-9 family hypoxia inducible factor 2; plus strand), RAB4B-EGLN2 (RAB4B-EGLN2 readthrough (NMD candidate); plus strand). Cytogenetic location: 19q13.2.
Variant type: single nucleotide variant.
Coding change: c.777T>A on transcript NM_080732.4 (MANE Select); coding-DNA position 777, T replaced by A.
Protein change: p.His259Gln; replaces histidine 259 with glutamine.
Molecular consequence: missense variant. On other transcripts: non-coding transcript variant (1).
Genome position (GRCh38, 1-based): chr19:40,801,349, T>A. VCF-style: chr19-40801349-T-A. GRCh37 (hg19) VCF-style: chr19-41307254-T-A.
Other names: c.777T>A, p.His259Gln (NM_053046.4); short protein forms H259Q.
Identifiers: ClinVar variation 2564168 (VCV002564168.2), dbSNP rs752734525, ClinGen allele CA405955954.
Genomic context (GRCh38, chr19:40,801,349, plus strand): 5'-GATTGCCTGGGTGGAAGGCCATGAACCAGGCTGTCGAAGCATTGGTGCCCTCATGGCCCA[T>A]GTGGACGCCGTCATCCGCCACTGCGCAGGGCGGCTGGGCAGCTATGTCATCAACGGGCGC-3'
Protein context (NP_542770.2, residues 249-269): GCRSIGALMA[His259Gln]VDAVIRHCAG

ClinVar aggregate classification (germline): Uncertain significance (1 of 4 stars; one submission).

Submission:

Ambry Genetics
Classification: Uncertain significance. Last evaluated: 2023-06-12. Review status: criteria provided, single submitter. Criteria: Ambry Variant Classification Scheme 2023. Collection method: clinical testing. Allele origin: germline.
Comment: The p.H259Q variant (also known as c.777T>A), located in coding exon 1 of the EGLN2 gene, results from a T to A substitution at nucleotide position 777. The histidine at codon 259 is replaced by glutamine, an amino acid with highly similar properties. This amino acid position is conserved. In addition, this alteration is predicted to be tolerated by in silico analysis. Since supporting evidence is limited at this time, the clinical significance of this alteration remains unclear.